The following is an entry in ClinVar:

NM_201596.3(CACNB2):c.1700A>G (p.Tyr567Cys)

Gene: CACNB2 (calcium voltage-gated channel auxiliary subunit beta 2; plus strand). Cytogenetic location: 10p12.31.
Variant type: single nucleotide variant.
Coding change: c.1700A>G on transcript NM_201596.3 (MANE Select); coding-DNA position 1700, A replaced by G.
Protein change: p.Tyr567Cys; replaces tyrosine 567 with cysteine.
Molecular consequence: missense variant.
Genome position (GRCh38, 1-based): chr10:18,539,441, A>G. VCF-style: chr10-18539441-A-G. GRCh37 (hg19) VCF-style: chr10-18828370-A-G.
Other names: c.1535A>G, p.Tyr512Cys (NM_000724.4); c.1502A>G, p.Tyr501Cys (NM_001167945.2); c.1421A>G, p.Tyr474Cys (NM_001330060.2); c.1442A>G, p.Tyr481Cys (NM_001410882.1); c.1556A>G, p.Tyr519Cys (NM_201570.3); c.1616A>G, p.Tyr539Cys (NM_201571.4); c.1544A>G, p.Tyr515Cys (NM_201572.4); c.1538A>G, p.Tyr513Cys (NM_201590.3); and 2 more; short protein forms Y474C, Y529C, Y539C, Y481C, Y519C, Y543C, Y512C, Y515C.
Identifiers: ClinVar variation 4747969 (VCV004747969.1).

ClinVar aggregate classification (germline): Uncertain significance (1 of 4 stars; one submission).

Conditions:
Brugada syndrome 4 (BRGDA4). Identifiers: Orphanet 130, MedGen C2678477, MONDO:0012743, OMIM 611876.

gnomAD v4.1: 23 of 1,614,064 alleles (0.0014%); highest among the groups gnomAD compares: Non-Finnish European, 0.0018%; no homozygotes.

Submission:

Labcorp Genetics (formerly Invitae), Labcorp
Classification: Uncertain significance for Brugada syndrome 4. Last evaluated: 2025-08-05. Review status: criteria provided, single submitter. Criteria: Invitae Variant Classification Sherloc (09022015). Collection method: clinical testing. Allele origin: germline.
Comment: This sequence change replaces tyrosine, which is neutral and polar, with cysteine, which is neutral and slightly polar, at codon 513 of the CACNB2 protein (p.Tyr513Cys). This variant is present in population databases (rs752349583, gnomAD 0.003%). This variant has not been reported in the literature in individuals affected with CACNB2-related conditions. Invitae Evidence Modeling of protein sequence and biophysical properties (such as structural, functional, and spatial information, amino acid conservation, physicochemical variation, residue mobility, and thermodynamic stability) indicates that this missense variant is not expected to disrupt CACNB2 protein function with a negative predictive value of 80%. In summary, the available evidence is currently insufficient to determine the role of this variant in disease. Therefore, it has been classified as a Variant of Uncertain Significance.